The following is an entry in ClinVar:

ClinVar aggregate classification (germline): Uncertain significance (1 of 4 stars; one submission).

Submission:

GeneDx
Classification: Uncertain significance. Last evaluated: 2024-03-20. Review status: criteria provided, single submitter. Criteria: GeneDx Variant Classification Process June 2021. Collection method: clinical testing. Allele origin: germline. Affected: yes.
Comment: Not observed at significant frequency in large population cohorts (gnomAD); In silico analysis supports that this missense variant does not alter protein structure/function; Has not been previously published as pathogenic or benign to our knowledge; This variant is associated with the following publications: (PMID: 20951805)

NM_006231.4(POLE):c.2533C>A (p.Gln845Lys)

Gene: POLE (DNA polymerase epsilon, catalytic subunit; minus strand). Cytogenetic location: 12q24.33.
Variant type: single nucleotide variant.
Coding change: c.2533C>A on transcript NM_006231.4 (MANE Select); coding-DNA position 2533, C replaced by A.
Protein change: p.Gln845Lys; replaces glutamine 845 with lysine.
Molecular consequence: missense variant.
Genome position (GRCh38, 1-based): chr12:132,664,398, G>T on the plus strand (C>A on the coding strand, the complement: POLE is on the minus strand). VCF-style: chr12-132664398-G-T. GRCh37 (hg19) VCF-style: chr12-133240984-G-T.
Other names: short protein forms Q845K.
Identifiers: ClinVar variation 3371285 (VCV003371285.1).